The following is an entry in ClinVar:

ClinVar aggregate classification (germline): Uncertain significance. Review status: criteria provided, multiple submitters, no conflicts (2 of 4 stars). 3 submissions from 3 submitters: Uncertain significance (3). Last evaluated 2025-06-07.

Conditions:
Spastic paraplegia. Identifiers: MedGen C0037772, HP:0001258.
Inborn genetic diseases. Identifiers: MedGen C0950123, MeSH D030342.

Allele frequency attached by ClinVar (database versions not stated): gnomAD exomes 0.00005; gnomAD 0.00003; TOPMed 0.00003; ExAC 0.00009.
gnomAD v4.1: 79 of 1,613,546 alleles (0.0049%); highest among the groups gnomAD compares: Non-Finnish European, 0.0062%; no homozygotes.

Submissions (3):

Ambry Genetics
Classification: Uncertain significance for Inborn genetic diseases. Last evaluated: 2025-06-07. Review status: criteria provided, single submitter. Criteria: Ambry Variant Classification Scheme 2023. Collection method: clinical testing. Allele origin: germline.

Mayo Clinic Laboratories, Mayo Clinic
Classification: Uncertain significance. Last evaluated: 2024-05-13. Review status: criteria provided, single submitter. Criteria: ACMG Guidelines, 2015. Collection method: clinical testing. Allele origin: germline. Observed: 1 variant allele.

Labcorp Genetics (formerly Invitae), Labcorp
Classification: Uncertain significance for Spastic paraplegia. Last evaluated: 2021-08-31. Review status: criteria provided, single submitter. Criteria: Invitae Variant Classification Sherloc (09022015). Collection method: clinical testing. Allele origin: germline.
Comment: This sequence change replaces proline with leucine at codon 368 of the AP4E1 protein (p.Pro368Leu). The proline residue is highly conserved and there is a moderate physicochemical difference between proline and leucine. This variant is present in population databases (rs771844025, ExAC 0.02%). This variant has not been reported in the literature in individuals affected with AP4E1-related conditions. Algorithms developed to predict the effect of missense changes on protein structure and function are either unavailable or do not agree on the potential impact of this missense change (SIFT: "Deleterious"; PolyPhen-2: "Probably Damaging"; Align-GVGD: "Class C0"). In summary, the available evidence is currently insufficient to determine the role of this variant in disease. Therefore, it has been classified as a Variant of Uncertain Significance.

NM_007347.5(AP4E1):c.1103C>T (p.Pro368Leu)

Gene: AP4E1 (adaptor related protein complex 4 subunit epsilon 1; plus strand). Cytogenetic location: 15q21.2.
Variant type: single nucleotide variant.
Coding change: c.1103C>T on transcript NM_007347.5 (MANE Select); coding-DNA position 1103, C replaced by T.
Protein change: p.Pro368Leu; replaces proline 368 with leucine.
Molecular consequence: missense variant.
Genome position (GRCh38, 1-based): chr15:50,941,702, C>T. VCF-style: chr15-50941702-C-T. GRCh37 (hg19) VCF-style: chr15-51233899-C-T.
Other names: p.Pro368Leu; c.878C>T, p.Pro293Leu (NM_001252127.2); c.1103C>T (NM_007347.3); short protein forms P293L, P368L.
Identifiers: ClinVar variation 838575 (VCV000838575.8), dbSNP rs771844025, ClinGen allele CA7558979.